The following is an entry in ClinVar:

NM_181552.4(CUX1):c.4288del (p.Glu1430fs)

Gene: CUX1 (cut like homeobox 1; plus strand). Cytogenetic location: 7q22.1.
Variant type: Deletion.
Coding change: c.4288del on transcript NM_181552.4 (MANE Select); coding-DNA position 4288, one base deleted (G; older notation c.4288delG).
Protein change: p.Glu1430fs; shifts the reading frame from glutamic acid 1430.
Molecular consequence: frameshift variant. On other transcripts: intron variant (5).
Genome position (GRCh38, 1-based): chr7:102,248,812, G deleted; the last of 5 consecutive G bases (chr7:102,248,808-102,248,812); deleting any one gives the same sequence. VCF-style (leftmost placement, unchanged base first): chr7-102248807-CG-C. GRCh37 (hg19) VCF-style: chr7-101892087-CG-C.
Other names: c.4321del, p.Glu1441fs (NM_001202543.2); c.1256-24554del (NM_001913.5); c.1250-24554del (NM_181500.4); c.1118-24554del (NM_001202545.3); c.1208-24554del (NM_001202544.3); c.1139-24554del (NM_001202546.3); short protein forms E1430fs, E1441fs.
Identifiers: ClinVar variation 2446517 (VCV002446517.1), dbSNP rs1554538187, ClinGen allele CA577195293.

ClinVar aggregate classification (germline): Uncertain significance (1 of 4 stars; one submission).

Submission:

GeneDx
Classification: Uncertain significance. Last evaluated: 2022-09-30. Review status: criteria provided, single submitter. Criteria: GeneDx Variant Classification Process June 2021. Collection method: clinical testing. Allele origin: germline. Affected: yes.
Comment: Frameshift variant predicted to result in protein truncation as the last 76 amino acids are replaced with 54 different amino acids, although loss-of-function variants have not been reported downstream of this position in the protein; Has not been previously published as pathogenic or benign to our knowledge